The following is an entry in ClinVar:

NM_001267550.2(TTN):c.68210C>T (p.Ala22737Val)

Genes: TTN (titin; minus strand), TTN-AS1 (TTN antisense RNA 1; plus strand), LOC126806423 (CDK7 strongly-dependent group 2 enhancer GRCh37_chr2:179443309-179444508; plus strand). Cytogenetic location: 2q31.2.
Variant type: single nucleotide variant.
Coding change: c.68210C>T on transcript NM_001267550.2 (MANE Select); coding-DNA position 68210, C replaced by T.
Protein change: p.Ala22737Val; replaces alanine 22737 with valine.
Molecular consequence: missense variant.
Genome position (GRCh38, 1-based): chr2:178,578,820, G>A on the plus strand (C>T on the coding strand, the complement: TTN is on the minus strand). VCF-style: chr2-178578820-G-A. GRCh37 (hg19) VCF-style: chr2-179443547-G-A.
Other names: c.41015C>T, p.Ala13672Val (NM_003319.4); c.60506C>T, p.Ala20169Val (NM_133378.4); c.41390C>T, p.Ala13797Val (NM_133432.3); c.41591C>T, p.Ala13864Val (NM_133437.4); c.63287C>T, p.Ala21096Val (NM_001256850.1); short protein forms A13672V, A13797V, A13864V, A20169V, A21096V, A22737V.
Identifiers: ClinVar variation 4086457 (VCV004086457.1).

ClinVar aggregate classification (germline): Uncertain significance (1 of 4 stars; one submission).

gnomAD v4.1: 38 of 1,610,050 alleles (0.0024%); highest among the groups gnomAD compares: Non-Finnish European, 0.0028%; no homozygotes.

Submission:

GeneDx
Classification: Uncertain significance. Last evaluated: 2025-03-18. Review status: criteria provided, single submitter. Criteria: GeneDx Variant Classification Process June 2021. Collection method: clinical testing. Allele origin: germline. Affected: yes.
Comment: Not observed at significant frequency in large population cohorts (gnomAD); Missense variant in a gene in which most reported pathogenic variants are truncating/loss-of-function; Has not been previously published as pathogenic or benign to our knowledge